The following is an entry in ClinVar:

ClinVar aggregate classification (germline): Pathogenic (1 of 4 stars; one submission).

Conditions:
Glycogen storage disease, type II (IOPD). Also called: CARDIOMEGALIA GLYCOGENICA DIFFUSA; GLYCOGENOSIS, GENERALIZED, CARDIAC FORM; GSD II; Glycogen storage disease type 2; Acid maltase deficiency disease; Aglucosidase alfa. Identifiers: Orphanet 365, MedGen C0017921, MONDO:0009290, OMIM 232300.

Submission:

Labcorp Genetics (formerly Invitae), Labcorp
Classification: Pathogenic for Glycogen storage disease, type II. Last evaluated: 2023-01-22. Review status: criteria provided, single submitter. Criteria: Invitae Variant Classification Sherloc (09022015). Collection method: clinical testing. Allele origin: unknown.
Comment: This variant is a gross deletion of the genomic region encompassing exon(s) 17-20 of the GAA gene, which includes the termination codon. This deletion extends beyond the assayed region for this gene and therefore may encompass additional genes. While this deletion is not anticipated to lead to nonsense mediated decay, it is expected to alter mRNA translation or result in a truncated protein product. This variant has not been reported in the literature in individuals affected with GAA-related conditions. For these reasons, this variant has been classified as Pathogenic. This variant disrupts a region of the GAA protein in which other variant(s) (p.Tyr928Cys) have been determined to be pathogenic (PMID: 22252923, 29122469, 31606152, 33741225). This suggests that this is a clinically significant region of the protein, and that variants that disrupt it are likely to be disease-causing.

Literature cited by the submitters: PubMed 22252923; PubMed 29122469; PubMed 31606152; PubMed 33741225.

NC_000017.10:g.(?_78091379)_(78093130_?)del

Gene: GAA (alpha glucosidase; plus strand). Cytogenetic location: 17q25.3.
Variant type: Deletion.
Identifiers: ClinVar variation 3242834 (VCV003242834.1).